The following is an entry in ClinVar:

ClinVar aggregate classification (germline): Likely benign (1 of 4 stars; one submission).

gnomAD v4.1: 8 of 1,613,986 alleles (0.0005%); highest among the groups gnomAD compares: Non-Finnish European, 0.00068%; no homozygotes.

Submission:

CeGaT Center for Human Genetics Tuebingen
Classification: Likely benign. Last evaluated: 2026-09-01. Review status: criteria provided, single submitter. Criteria: CeGaT Center For Human Genetics Tuebingen Variant Classification Criteria Version 2. Collection method: clinical testing. Allele origin: germline. Affected: yes. Observed: 1 variant allele.
Comment: TRPV4: BP4, BP7

NM_021625.5(TRPV4):c.1068C>T (p.Leu356=)

Gene: TRPV4 (transient receptor potential cation channel subfamily V member 4; minus strand). Cytogenetic location: 12q24.11.
Variant type: single nucleotide variant.
Coding change: c.1068C>T on transcript NM_021625.5 (MANE Select); coding-DNA position 1068, C replaced by T.
Protein change: p.Leu356=; no amino-acid change (leucine 356 retained).
Molecular consequence: synonymous variant.
Genome position (GRCh38, 1-based): chr12:109,798,698, G>A on the plus strand (C>T on the coding strand, the complement: TRPV4 is on the minus strand). VCF-style: chr12-109798698-G-A. GRCh37 (hg19) VCF-style: chr12-110236503-G-A.
Other names: c.927C>T, p.Leu309= (NM_001177428.2, NM_001177433.2); c.966C>T, p.Leu322= (NM_001177431.2); c.1068C>T, p.Leu356= (NM_147204.3).
Identifiers: ClinVar variation 5041512 (VCV005041512.1).